The following is an entry in ClinVar:

ClinVar aggregate classification (germline): Pathogenic (1 of 4 stars; one submission).

Conditions:
Perlman syndrome (PRLMNS). Identifiers: Orphanet 2849, MedGen C0796113, MONDO:0009965, OMIM 267000.

Submission:

Labcorp Genetics (formerly Invitae), Labcorp
Classification: Pathogenic for Perlman syndrome. Last evaluated: 2021-05-25. Review status: criteria provided, single submitter. Criteria: Invitae Variant Classification Sherloc (09022015). Collection method: clinical testing. Allele origin: germline.
Comment: For these reasons, this variant has been classified as Pathogenic. This variant has not been reported in the literature in individuals with DIS3L2-related conditions. This variant is not present in population databases (ExAC no frequency). This sequence change creates a premature translational stop signal (p.Lys125Asnfs*31) in the DIS3L2 gene. It is expected to result in an absent or disrupted protein product. Loss-of-function variants in DIS3L2 are known to be pathogenic (PMID: 22306653, 28328139).

Literature cited by the submitters: PubMed 22306653; PubMed 28328139.

NM_152383.5(DIS3L2):c.375del (p.Lys125fs)

Gene: DIS3L2 (DIS3 like 3'-5' exoribonuclease 2; plus strand). Cytogenetic location: 2q37.1.
Variant type: Deletion.
Coding change: c.375del on transcript NM_152383.5 (MANE Select); coding-DNA position 375, one base deleted (A; older notation c.375delA).
Protein change: p.Lys125fs; shifts the reading frame from lysine 125.
Molecular consequence: frameshift variant. On other transcripts: non-coding transcript variant (2).
Genome position (GRCh38, 1-based): chr2:232,087,495, A deleted; the last of 3 consecutive A bases (chr2:232,087,493-232,087,495); deleting any one gives the same sequence. VCF-style (leftmost placement, unchanged base first): chr2-232087492-TA-T. GRCh37 (hg19) VCF-style: chr2-232952202-TA-T.
Other names: c.375del, p.Lys125fs (NM_001257281.2, NM_001257282.2); short protein forms K125fs.
Identifiers: ClinVar variation 1453485 (VCV001453485.6), dbSNP rs2106309216, ClinGen allele CA2573135532.